The following is an entry in ClinVar:

ClinVar aggregate classification (germline): Likely benign. Review status: criteria provided, multiple submitters, no conflicts (2 of 4 stars). 2 submissions from 2 submitters: Likely benign (2). Last evaluated 2022-10-01.

Allele frequency attached by ClinVar (database versions not stated): TOPMed 0.00014; ESP Exome Variant Server 0.00015; 1000 Genomes Project 30x 0.00031; 1000 Genomes Project 0.00060.
gnomAD v4.1: 171 of 1,598,930 alleles (0.011%); highest among the groups gnomAD compares: South Asian, 0.024%; no homozygotes.

Submissions (2):

CeGaT Center for Human Genetics Tuebingen
Classification: Likely benign. Last evaluated: 2022-10-01. Review status: criteria provided, single submitter. Criteria: CeGaT Center For Human Genetics Tuebingen Variant Classification Criteria Version 2. Collection method: clinical testing. Allele origin: germline. Affected: yes. Observed: 1 variant allele.
Comment: JAG2: BP4, BP7

Labcorp Genetics (formerly Invitae), Labcorp
Classification: Likely benign. Last evaluated: 2018-06-18. Review status: criteria provided, single submitter. Criteria: Invitae Variant Classification Sherloc (09022015). Collection method: clinical testing. Allele origin: germline.

NM_002226.5(JAG2):c.3291G>A (p.Ala1097=)

Gene: JAG2 (jagged canonical Notch ligand 2; minus strand). Cytogenetic location: 14q32.33.
Variant type: single nucleotide variant.
Coding change: c.3291G>A on transcript NM_002226.5 (MANE Select); coding-DNA position 3291, G replaced by A.
Protein change: p.Ala1097=; no amino-acid change (alanine 1097 retained).
Molecular consequence: synonymous variant.
Genome position (GRCh38, 1-based): chr14:105,143,121, C>T on the plus strand (G>A on the coding strand, the complement: JAG2 is on the minus strand). VCF-style: chr14-105143121-C-T. GRCh37 (hg19) VCF-style: chr14-105609458-C-T.
Other names: c.3177G>A, p.Ala1059= (NM_145159.3).
Identifiers: ClinVar variation 753777 (VCV000753777.27), dbSNP rs199706267, ClinGen allele CA7385242.